The following is an entry in ClinVar:

ClinVar aggregate classification (germline): Pathogenic (1 of 4 stars; one submission).

Submission:

Labcorp Genetics (formerly Invitae), Labcorp
Classification: Pathogenic. Last evaluated: 2022-08-23. Review status: criteria provided, single submitter. Criteria: Invitae Variant Classification Sherloc (09022015). Collection method: clinical testing. Allele origin: germline.
Comment: This sequence change creates a premature translational stop signal (p.Val598Trpfs*51) in the ABCA4 gene. It is expected to result in an absent or disrupted protein product. Loss-of-function variants in ABCA4 are known to be pathogenic (PMID: 10958761, 24938718, 25312043, 26780318). This variant is not present in population databases (gnomAD no frequency). This variant has not been reported in the literature in individuals affected with ABCA4-related conditions. ClinVar contains an entry for this variant (Variation ID: 954810). For these reasons, this variant has been classified as Pathogenic.

Literature cited by the submitters: PubMed 10958761; PubMed 24938718; PubMed 25312043; PubMed 26780318.

NM_000350.3(ABCA4):c.1791del (p.Val598fs)

Gene: ABCA4 (ATP binding cassette subfamily A member 4; minus strand). Cytogenetic location: 1p22.1.
Variant type: Deletion.
Coding change: c.1791del on transcript NM_000350.3 (MANE Select); coding-DNA position 1791, one base deleted (C; older notation c.1791delC).
Protein change: p.Val598fs; shifts the reading frame from valine 598.
Molecular consequence: frameshift variant.
Genome position (GRCh38, 1-based): chr1:94,062,723, G deleted on the plus strand (C on the coding strand, the reverse complement: ABCA4 is on the minus strand); the first of 3 consecutive G bases (chr1:94,062,723-94,062,725); deleting any one gives the same sequence. VCF-style (leftmost placement, unchanged base first): chr1-94062722-CG-C. GRCh37 (hg19) VCF-style: chr1-94528278-CG-C.
Other names: c.1789delC, p.Val598Trpfs (NM_001425324.1); short protein forms V598fs.
Identifiers: ClinVar variation 954810 (VCV000954810.7), dbSNP rs1661166046, ClinGen allele CA1139656231.